The following is an entry in ClinVar:

NM_005450.6(NOG):c.223G>C (p.Asp75His)

Gene: NOG (noggin; plus strand). Cytogenetic location: 17q22.
Variant type: single nucleotide variant.
Coding change: c.223G>C on transcript NM_005450.6 (MANE Select); coding-DNA position 223, G replaced by C.
Protein change: p.Asp75His; replaces aspartic acid 75 with histidine.
Molecular consequence: missense variant.
Genome position (GRCh38, 1-based): chr17:56,594,446, G>C. VCF-style: chr17-56594446-G-C. GRCh37 (hg19) VCF-style: chr17-54671807-G-C.
Other names: c.223G>C (NM_005450.4); short protein forms D75H.
Identifiers: ClinVar variation 1939617 (VCV001939617.6), dbSNP rs2052467983, ClinGen allele CA399964980.

ClinVar aggregate classification (germline): Uncertain significance. Review status: criteria provided, multiple submitters, no conflicts (2 of 4 stars). 2 submissions from 2 submitters: Uncertain significance (2). Last evaluated 2024-05-28.

Conditions:
Inborn genetic diseases. Identifiers: MedGen C0950123, MeSH D030342.

Allele frequency attached by ClinVar (database versions not stated): TOPMed below 0.00001.

Submissions (2):

Ambry Genetics
Classification: Uncertain significance for Inborn genetic diseases. Last evaluated: 2024-05-28. Review status: criteria provided, single submitter. Criteria: Ambry Variant Classification Scheme 2023. Collection method: clinical testing. Allele origin: germline.

Labcorp Genetics (formerly Invitae), Labcorp
Classification: Uncertain significance. Last evaluated: 2022-08-05. Review status: criteria provided, single submitter. Criteria: Invitae Variant Classification Sherloc (09022015). Collection method: clinical testing. Allele origin: germline.
Comment: In summary, the available evidence is currently insufficient to determine the role of this variant in disease. Therefore, it has been classified as a Variant of Uncertain Significance. Algorithms developed to predict the effect of missense changes on protein structure and function (SIFT, PolyPhen-2, Align-GVGD) all suggest that this variant is likely to be disruptive. This variant has not been reported in the literature in individuals affected with NOG-related conditions. This variant is not present in population databases (gnomAD no frequency). This sequence change replaces aspartic acid, which is acidic and polar, with histidine, which is basic and polar, at codon 75 of the NOG protein (p.Asp75His).